The following is an entry in ClinVar:

NM_000465.4(BARD1):c.2001+224C>T

Gene: BARD1 (BRCA1 associated RING domain 1; minus strand). Cytogenetic location: 2q35.
Variant type: single nucleotide variant.
Coding change: c.2001+224C>T on transcript NM_000465.4 (MANE Select); 224 bases into the intron after coding-DNA position 2001, C replaced by T.
Molecular consequence: intron variant.
Genome position (GRCh38, 1-based): chr2:214,730,187, G>A on the plus strand (C>T on the coding strand, the complement: BARD1 is on the minus strand). VCF-style: chr2-214730187-G-A. GRCh37 (hg19) VCF-style: chr2-215594911-G-A.
Other names: c.591+224C>T (NM_001282548.2); c.1944+224C>T (NM_001282543.2); c.648+224C>T (NM_001282545.2); c.462+224C>T (NM_001282549.2).
Identifiers: ClinVar variation 679705 (VCV000679705.2), dbSNP rs113815630, ClinGen allele CA64793630.

ClinVar aggregate classification (germline): Likely benign. Review status: criteria provided, multiple submitters, no conflicts (2 of 4 stars). 2 submissions from 2 submitters: Likely benign (2). Last evaluated 2018-06-12.

Allele frequency attached by ClinVar (database versions not stated): gnomAD exomes 0.00039; gnomAD 0.00346 and 0.00372; TOPMed 0.00369; 1000 Genomes Project 0.00439; 1000 Genomes Project 30x 0.00453.
gnomAD v4.1: 688 of 552,368 alleles (0.12%); highest among the groups gnomAD compares: African/African-American, 1.2%; 4 homozygotes.

Submissions (2):

GeneDx
Classification: Likely benign. Last evaluated: 2018-06-12. Review status: criteria provided, single submitter. Criteria: GeneDx Variant Classification (06012015). Collection method: clinical testing. Allele origin: germline. Affected: yes.
Comment: This variant is considered likely benign or benign based on one or more of the following criteria: it is a conservative change, it occurs at a poorly conserved position in the protein, it is predicted to be benign by multiple in silico algorithms, and/or has population frequency not consistent with disease.

Breakthrough Genomics
Classification: Likely benign. Review status: criteria provided, single submitter. Criteria: ACMG Guidelines, 2015. Collection method: not provided. Allele origin: germline. Inheritance: Autosomal dominant inheritance. Affected: yes.